The following is an entry in ClinVar:

ClinVar aggregate classification (germline): Uncertain significance (1 of 4 stars; one submission).

Conditions:
Cardiovascular phenotype. Identifiers: MedGen CN230736.

Submission:

Ambry Genetics
Classification: Uncertain significance for Cardiovascular phenotype. Last evaluated: 2019-05-28. Review status: criteria provided, single submitter. Criteria: Ambry Variant Classification Scheme 2023. Collection method: clinical testing. Allele origin: germline.
Comment: The p.G9V variant (also known as c.26G>T), located in coding exon 1 of the LDB3 gene, results from a G to T substitution at nucleotide position 26. The glycine at codon 9 is replaced by valine, an amino acid with dissimilar properties. This amino acid position is highly conserved in available vertebrate species. In addition, this alteration is predicted to be deleterious by in silico analysis. Since supporting evidence is limited at this time, the clinical significance of this alteration remains unclear.

NM_007078.3(LDB3):c.26G>T (p.Gly9Val)

Gene: LDB3 (LIM domain binding 3; plus strand). Cytogenetic location: 10q23.2.
Variant type: single nucleotide variant.
Coding change: c.26G>T on transcript NM_007078.3 (MANE Select); coding-DNA position 26, G replaced by T.
Protein change: p.Gly9Val; replaces glycine 9 with valine.
Molecular consequence: missense variant.
Genome position (GRCh38, 1-based): chr10:86,668,717, G>T. VCF-style: chr10-86668717-G-T. GRCh37 (hg19) VCF-style: chr10-88428474-G-T.
Other names: c.26G>T, p.Gly9Val (NM_001080114.2, NM_001080115.2, NM_001080116.1 and 8 more transcripts); short protein forms G9V.
Identifiers: ClinVar variation 1794910 (VCV001794910.2), dbSNP rs2492473660, ClinGen allele CA377448709.